The following is an entry in ClinVar:

NM_001378120.1(MBD5):c.763C>T (p.Pro255Ser)

Gene: MBD5 (methyl-CpG binding domain protein 5; plus strand). Cytogenetic location: 2q23.1.
Variant type: single nucleotide variant.
Coding change: c.763C>T on transcript NM_001378120.1 (MANE Select); coding-DNA position 763, C replaced by T.
Protein change: p.Pro255Ser; replaces proline 255 with serine.
Molecular consequence: missense variant.
Genome position (GRCh38, 1-based): chr2:148,468,706, C>T. VCF-style: chr2-148468706-C-T. GRCh37 (hg19) VCF-style: chr2-149226275-C-T.
Other names: c.763C>T, p.Pro255Ser (NM_018328.5); short protein forms P255S.
Identifiers: ClinVar variation 536670 (VCV000536670.16), dbSNP rs183855575, ClinGen allele CA1899924.
Genomic context (GRCh38, chr2:148,468,706, plus strand): 5'-GGTTCAATCTCTCCAAGGACTGACCCACTTGGAAGTCCTGATGTTTTCACAAGAAGTAAT[C>T]CTGGTTTTCATGGAGCTCCCAATTCTAGTCCTATTCACCTGAATAGGACTCCTCTTTCTC-3'
Protein context (NP_001365049.1, residues 245-265): GSPDVFTRSN[Pro255Ser]GFHGAPNSSP

ClinVar aggregate classification (germline): Conflicting classifications of pathogenicity. Review status: criteria provided, conflicting classifications (1 of 4 stars). 3 submissions from 3 submitters: Uncertain significance (1); Likely benign (2). Last evaluated 2026-02-02.

Conditions:
Inborn genetic diseases. Identifiers: MedGen C0950123, MeSH D030342.
Intellectual developmental disorder, autosomal dominant 1. Also called: Intellectual disability, autosomal dominant 1; MBD5 Haploinsufficiency. Identifiers: Orphanet 228402, MedGen C1969562, MONDO:0007974, OMIM 156200.

Allele frequency attached by ClinVar (database versions not stated): gnomAD exomes 0.00001; gnomAD 0.00012; TOPMed 0.00028; ExAC 0.00001; 1000 Genomes Project 30x 0.00016; 1000 Genomes Project 0.00020.
gnomAD v4.1: 29 of 1,613,910 alleles (0.0018%); highest among the groups gnomAD compares: Admixed American, 0.033%; no homozygotes.

Submissions (3):

Labcorp Genetics (formerly Invitae), Labcorp
Classification: Likely benign for Intellectual developmental disorder, autosomal dominant 1. Last evaluated: 2026-02-02. Review status: criteria provided, single submitter. Criteria: Invitae Variant Classification Sherloc (09022015). Collection method: clinical testing. Allele origin: germline.

Ambry Genetics
Classification: Likely benign for Inborn genetic diseases. Last evaluated: 2022-12-23. Review status: criteria provided, single submitter. Criteria: Ambry Variant Classification Scheme 2023. Collection method: clinical testing. Allele origin: germline.

New York Genome Center
Classification: Uncertain significance for Intellectual developmental disorder, autosomal dominant 1. Last evaluated: 2020-04-20. Review status: criteria provided, single submitter. Criteria: NYGC Assertion Criteria 2020. Collection method: clinical testing. Allele origin: inherited. Observed: 1 heterozygote. Study: CSER-NYCKidSeq.
Comment: The inherited c.763C>T (p.Pro255Ser) variant identified in the MBD5 gene substitutes a well conserved Proline for Serine at amino acid 255/1495 (coding exon 9/15). This variant is found with low frequency in gnomAD (3 heterozygotes, 0 homozygotes; allele frequency: 1.20e-5) suggesting it is not a common benign variant in the populations represented in this database. In silico algorithms predict this variant to be Neutral (Provean; score:-0.95) and Tolerated (SIFT; score:0.055) to the function of the canonical transcript. The p.Pro255 residue is not within a mapped domain of MBD5 (UniProtKB:Q9P267). This variant is reported in ClinVar as a Variant of Uncertain Significance (VarID:536670) and to our current knowledge has not been reported in affected individuals in the literature. Given the lack of compelling evidence for its pathogenicity, the inherited c.763C>T (p.Pro255Ser) variant identified in the MBD5 gene is reported as a Variant of Uncertain Significance.